The following is an entry in ClinVar:

ClinVar aggregate classification (germline): Likely pathogenic (1 of 4 stars; one submission).

Conditions:
Roberts-SC phocomelia syndrome (RBS). Also called: LONG BONE DEFICIENCIES ASSOCIATED WITH CLEFT LIP-PALATE; ESCO2 Spectrum Disorder; Hypomelia hypotrichosis facial hemangioma syndrome; Pseudothalidomide syndrome; Appelt-Gerken-Lenz syndrome. Identifiers: Orphanet 3103, MedGen C0392475, MONDO:0100253, OMIM 268300.

Submission:

Natera, Inc.
Classification: Likely pathogenic for Roberts syndrome. Last evaluated: 2025-04-18. Review status: criteria provided, single submitter. Criteria: Natera Variant Classification Schema (03/2026). Collection method: clinical testing. Allele origin: germline.
Comment: The c.41dup variant in ESCO2 is a frameshift variant predicted to shift the reading frame beginning at codon 14 and leads to a stop codon 4 codons downstream. This variant is expected to result in nonsense mediated decay, truncation, or a dysfunctional protein product. This variant is rare in the general population with a frequency below the threshold expected for the associated phenotype(s). Given the available evidence, this variant is classified as Likely Pathogenic.

NM_001017420.3(ESCO2):c.41dup (p.Leu14fs)

Gene: ESCO2 (establishment of sister chromatid cohesion N-acetyltransferase 2; plus strand). Cytogenetic location: 8p21.1.
Variant type: Duplication.
Coding change: c.41dup on transcript NM_001017420.3 (MANE Select); coding-DNA position 41, one base duplicated (T; older notation c.41dupT).
Protein change: p.Leu14fs; shifts the reading frame from leucine 14.
Molecular consequence: frameshift variant.
Genome position (GRCh38, 1-based): chr8:27,775,555, T duplicated; the last of 3 consecutive T bases (chr8:27,775,553-27,775,555); duplicating any one gives the same sequence. VCF-style (leftmost placement, unchanged base first): chr8-27775552-C-CT. GRCh37 (hg19) VCF-style: chr8-27633069-C-CT.
Other names: short protein forms L14fs.
Identifiers: ClinVar variation 4067387 (VCV004067387.2).